The following is an entry in ClinVar:

ClinVar aggregate classification (germline): Likely benign (1 of 4 stars; one submission).

gnomAD v4.1: 3,033 of 1,611,726 alleles (0.19%); highest among the groups gnomAD compares: East Asian, 0.94%; no homozygotes.

Submission:

CeGaT Center for Human Genetics Tuebingen
Classification: Likely benign. Last evaluated: 2025-02-01. Review status: criteria provided, single submitter. Criteria: CeGaT Center For Human Genetics Tuebingen Variant Classification Criteria Version 2. Collection method: clinical testing. Allele origin: germline. Affected: yes. Observed: 1 variant allele.
Comment: SLFN13: BP4, BP7

NM_144682.6(SLFN13):c.1515C>T (p.Thr505=)

Gene: SLFN13 (schlafen family member 13; minus strand). Cytogenetic location: 17q12.
Variant type: single nucleotide variant.
Coding change: c.1515C>T on transcript NM_144682.6 (MANE Select); coding-DNA position 1515, C replaced by T.
Protein change: p.Thr505=; no amino-acid change (threonine 505 retained).
Molecular consequence: synonymous variant.
Genome position (GRCh38, 1-based): chr17:35,441,970, G>A on the plus strand (C>T on the coding strand, the complement: SLFN13 is on the minus strand). VCF-style: chr17-35441970-G-A. GRCh37 (hg19) VCF-style: chr17-33768989-G-A.
Identifiers: ClinVar variation 3770549 (VCV003770549.13).
Genomic context (GRCh38, chr17:35,441,970, plus strand): 5'-GGCCTCTGCGCTGCTCTCAGGACTCAGGCAGAGGACCTTGGCCCTGACACACACCTTCCC[G>A]GTGTAGCCCCCCATGTTCACTAGCTTCTGCTTCAAAGTAAAGGCGGTGCGAGTGCAGTAG-3'
Protein context (NP_653283.3, residues 495-515): KQKLVNMGGY[Thr505=]GKVCVRAKVL